The following is an entry in ClinVar:

ClinVar aggregate classification (germline): other (0 of 4 stars; one submission).

Conditions:
Familial colorectal cancer. Identifiers: MedGen CN280943, MONDO:0023113. Disease mechanism: loss of function.

Allele frequency attached by ClinVar (database versions not stated): gnomAD 0.40082 and 0.38814; TOPMed 0.40409; 1000 Genomes Project 30x 0.42817; 1000 Genomes Project 0.43191.
gnomAD v4.1: 61,116 of 152,026 alleles (40%); highest among the groups gnomAD compares: East Asian, 65%; 14,804 homozygotes.

Submission:

Systems Biology Platform Zhejiang California International NanoSystems Institute
Classification: other for Familial colorectal cancer. Review status: no assertion criteria provided. Collection method: not provided. Allele origin: unknown.
ClinVar note: Converted during submission from cancer to other.

NM_000038.6(APC):c.531+432G>C

Gene: APC (APC regulator of WNT signaling pathway; plus strand). Cytogenetic location: 5q22.2.
Variant type: single nucleotide variant.
Coding change: c.531+432G>C on transcript NM_000038.6 (MANE Select); 432 bases into the intron after coding-DNA position 531, G replaced by C.
Molecular consequence: intron variant.
Genome position (GRCh38, 1-based): chr5:112,776,169, G>C. VCF-style: chr5-112776169-G-C. GRCh37 (hg19) VCF-style: chr5-112111866-G-C.
Other names: c.531+432G>C (NM_001354895.2, NM_001127510.3, NM_001354896.2 and 2 more transcripts); c.561+432G>C (NM_001354897.2, NM_001354902.2, NM_001127511.3); c.456+432G>C (NM_001354898.2, NM_001354904.2); c.-505+432G>C (NM_001354906.2); c.354+432G>C (NM_001354900.2, NM_001354901.2, NM_001354905.2).
Identifiers: ClinVar variation 82915 (VCV000082915.2), dbSNP rs458906, ClinGen allele CA010184.